The following is an entry in ClinVar:

ClinVar aggregate classification (germline): Uncertain significance. Review status: criteria provided, single submitter (1 of 4 stars). 2 submissions from 2 submitters: Uncertain significance (1). 1 of the submissions does not count toward it. Last evaluated 2021-09-24.

Conditions:
Granulomatous disease, chronic, autosomal recessive, cytochrome b-positive, type 2. Also called: GRANULOMATOUS DISEASE, CHRONIC, AUTOSOMAL RECESSIVE, 2; CGD, AUTOSOMAL RECESSIVE CYTOCHROME b-POSITIVE, TYPE II; GRANULOMATOUS DISEASE, CHRONIC, DUE TO NCF2 DEFICIENCY; Chronic Granulomatous Disease, Autosomal Recessive, Cytochrome b-Positive, Type II; Chronic granulomatous disease due to deficiency of NCF-2. Identifiers: Orphanet 379, MedGen C1856245, MONDO:0009310, OMIM 233710.
NCF2-related disorder. Also called: NCF2-related condition.

Submissions (2):

Labcorp Genetics (formerly Invitae), Labcorp
Classification: Uncertain significance for Granulomatous disease, chronic, autosomal recessive, cytochrome b-positive, type 2. Last evaluated: 2021-09-24. Review status: criteria provided, single submitter. Criteria: Invitae Variant Classification Sherloc (09022015). Collection method: clinical testing. Allele origin: germline.
Comment: This variant, c.814_816del, results in the deletion of 1 amino acid(s) of the NCF2 protein (p.Lys272del), but otherwise preserves the integrity of the reading frame. This variant is present in population databases (rs778751639, ExAC 0.003%). This variant has not been reported in the literature in individuals with NCF2-related conditions. Algorithms developed to predict the effect of sequence changes on RNA splicing suggest that this variant may create or strengthen a splice site, but this prediction has not been confirmed by published transcriptional studies. In summary, the available evidence is currently insufficient to determine the role of this variant in disease. Therefore, it has been classified as a Variant of Uncertain Significance.

PreventionGenetics, part of Exact Sciences
Classification: Benign for NCF2-related condition. Last evaluated: 2019-04-16. Review status: no assertion criteria provided. Collection method: clinical testing. Allele origin: germline. Not counted in ClinVar's aggregate classification.
Comment: This variant is classified as benign based on ACMG/AMP sequence variant interpretation guidelines (Richards et al. 2015 PMID: 25741868, with internal and published modifications).

NM_000433.4(NCF2):c.811AAG[1] (p.Lys272del)

Gene: NCF2 (neutrophil cytosolic factor 2; minus strand). Cytogenetic location: 1q25.3.
Variant type: Microsatellite.
Coding change: c.811AAG[1] on transcript NM_000433.4 (MANE Select); one copy of the 3-base unit AAG starting at c.811; the reference has two copies in a row; one copy, 3 bases deleted.
Protein change: p.Lys272del; deletes lysine 272.
Molecular consequence: inframe deletion.
Genome position (GRCh38, 1-based): chr1:183,567,243-183,567,245, CTT deleted on the plus strand (AAG on the coding strand, the reverse complement: NCF2 is on the minus strand); deleting any 3 consecutive bases within chr1:183,567,243-183,567,249 gives the same sequence; the position shown is the placement nearest the transcript's 3' end. VCF-style (leftmost placement, unchanged base first): chr1-183567242-CCTT-C. GRCh37 (hg19) VCF-style: chr1-183536377-CCTT-C.
Other names: c.811AAG[1], p.Lys272del (NM_001127651.3); c.568AAG[1], p.Lys191del (NM_001190789.2); c.676AAG[1], p.Lys227del (NM_001190794.2); c.814_816delAAG (NM_000433.3); short protein forms K272del, K191del, K227del.
Identifiers: ClinVar variation 1422065 (VCV001422065.7), dbSNP rs778751639, ClinGen allele CA1284801.